The following is an entry in ClinVar:

ClinVar aggregate classification (germline): Pathogenic (1 of 4 stars; one submission).

Conditions:
Inborn genetic diseases. Identifiers: MedGen C0950123, MeSH D030342.

Submission:

Ambry Genetics
Classification: Pathogenic for Inborn genetic diseases. Last evaluated: 2016-10-04. Review status: criteria provided, single submitter. Criteria: Ambry Variant Classification Scheme 2023. Collection method: clinical testing. Allele origin: germline.
Comment: The c.2401_2410del10 pathogenic mutation, located in coding exon 9 of the UBE3A gene, results from a deletion of 10 nucleotides at nucleotide positions 2401 to 2410, causing a predicted alternate stop codon (p.K801*). Premature stop codons are typically deleterious in nature; however, this stop codon is not expected to trigger nonsense-mediated mRNA decay because it occurs at the 3' terminus of the UBE3A gene. However, many pathogenic mutations past p.K801 position have been reported in patients suspected of having Angelman syndrome (Sadikovic B et al. Hum. Mutat., 2014 Dec;35:1407-17). This mutation is expected to remove a part of the catalytically important HECT domain of the UBE3A protein; biochemical analyses of mutations past p.K801 also revealed impaired protein functions (Cooper EM et al. J. Biol. Chem., 2004 Sep;279:41208-17). Based on the available evidence, c.2401_2410del10 is classified as a pathogenic mutation.

Literature cited by the submitters: PubMed 15263005; PubMed 25212744.

NM_130839.5(UBE3A):c.2461_2470del (p.Leu820_Lys821insTer)

Genes: SNHG14 (small nucleolar RNA host gene 14; plus strand), UBE3A (ubiquitin protein ligase E3A; minus strand). Cytogenetic location: 15q11.2.
Variant type: Deletion.
Coding change: c.2461_2470del on transcript NM_130839.5 (MANE Select); coding-DNA positions 2461 to 2470, 10 bases deleted (AAGATGATTA; older notation c.2461_2470delAAGATGATTA).
Protein change: p.Leu820_Lys821insTer.
Molecular consequence: nonsense. On other transcripts: non-coding transcript variant (1).
Genome position (GRCh38, 1-based): chr15:25,340,113-25,340,122, TAATCATCTT deleted on the plus strand (AAGATGATTA on the coding strand, the reverse complement: UBE3A is on the minus strand); deleting any 10 consecutive bases within chr15:25,340,113-25,340,126 gives the same sequence; the c. name uses the placement nearest the transcript's 3' end. VCF-style (leftmost placement, unchanged base first): chr15-25340112-ATAATCATCTT-A. GRCh37 (hg19) VCF-style: chr15-25585259-ATAATCATCTT-A.
Other names: c.2470_2479del, p.Leu823_Lys824insTer (NM_000462.5); c.2461_2470del, p.Leu820_Lys821insTer (NM_001354505.1, NM_001354538.2); c.2401_2410del, p.Leu800_Lys801insTer (NM_001354506.2, NM_001354507.2, NM_001354508.2 and 14 more transcripts); c.2305_2314del, p.Leu768_Lys769insTer (NM_001354545.2); c.2284_2293del, p.Leu761_Lys762insTer (NM_001354546.2); c.2245_2254del, p.Leu748_Lys749insTer (NM_001354547.2, NM_001354548.2); c.2236_2245del, p.Leu745_Lys746insTer (NM_001354549.2); c.1210_1219del, p.Leu403_Lys404insTer (NM_001354550.2); and 1 more.
Identifiers: ClinVar variation 589422 (VCV000589422.5), dbSNP rs1566825063, ClinGen allele CA891844412.